The following is an entry in ClinVar:

ClinVar aggregate classification (germline): Conflicting classifications of pathogenicity. Review status: criteria provided, conflicting classifications (1 of 4 stars). 3 submissions from 3 submitters: Uncertain significance (2); Likely benign (1). Last evaluated 2024-09-20.

Conditions:
Congenital diarrhea 5 with tufting enteropathy. Also called: INTESTINAL EPITHELIAL CELL DYSPLASIA; Congenital tufting enteropathy. Identifiers: Orphanet 92050, MedGen C2750737, MONDO:0013184, OMIM 613217.

Allele frequency attached by ClinVar (database versions not stated): gnomAD 0.00005 and 0.00003; gnomAD exomes 0.00006; TOPMed 0.00006; ExAC 0.00007.
gnomAD v4.1: 102 of 1,610,616 alleles (0.0063%); highest among the groups gnomAD compares: South Asian, 0.014%; no homozygotes.

Submissions (3):

3billion
Classification: Likely benign for Congenital diarrhea 5 with tufting enteropathy. Last evaluated: 2024-09-20. Review status: criteria provided, single submitter. Criteria: ACMG Guidelines, 2015. Collection method: clinical testing. Allele origin: germline. Affected: no.
Comment: The homozygous variant was found in patients diagnosed with another variant in a different gene, with no symptoms related to the gene containing the homozygous variant.

Revvity Omics, Revvity
Classification: Uncertain significance. Last evaluated: 2024-07-25. Review status: criteria provided, single submitter. Criteria: ACMG Guidelines, 2015. Collection method: clinical testing. Allele origin: germline.

Labcorp Genetics (formerly Invitae), Labcorp
Classification: Uncertain significance. Last evaluated: 2015-11-26. Review status: criteria provided, single submitter. Criteria: Invitae Variant Classification Sherloc (09022015). Collection method: clinical testing. Allele origin: germline.
Comment: Algorithms developed to predict the effect of missense changes on protein structure and function do not agree on the potential impact of this missense change (SIFT: "Deleterious"; PolyPhen-2: "Benign"; Align-GVGD: "Class C25"). This variant is present in population databases (ExAC <0.01%) but has not been reported in the literature. ClinVar contains an entry for this variant (Variation ID: 216559). In summary, this is a rare missense change with uncertain impact on protein function. Although there is no indication that this variant causes disease, the evidence is insufficient at this time to prove that conclusively. Therefore, it has been classified as a Variant of Uncertain Significance. This sequence change replaces arginine with histidine at codon 173 of the EPCAM protein (p.Arg173His). The arginine residue is highly conserved and there is a small physicochemical difference between arginine and histidine.

NM_002354.3(EPCAM):c.518G>A (p.Arg173His)

Gene: EPCAM (epithelial cell adhesion molecule; plus strand). Cytogenetic location: 2p21.
Variant type: single nucleotide variant.
Coding change: c.518G>A on transcript NM_002354.3 (MANE Select); coding-DNA position 518, G replaced by A.
Protein change: p.Arg173His; replaces arginine 173 with histidine.
Molecular consequence: missense variant.
Genome position (GRCh38, 1-based): chr2:47,377,040, G>A. VCF-style: chr2-47377040-G-A. GRCh37 (hg19) VCF-style: chr2-47604179-G-A.
Other names: short protein forms R173H.
Identifiers: ClinVar variation 216559 (VCV000216559.11), dbSNP rs771569331, ClinGen allele CA337460.